The following is an entry in ClinVar:

ClinVar aggregate classification (germline): Uncertain significance. Review status: criteria provided, multiple submitters, no conflicts (2 of 4 stars). 2 submissions from 2 submitters: Uncertain significance (2). Last evaluated 2025-09-04.

gnomAD v4.1: 21 of 1,613,260 alleles (0.0013%); highest among the groups gnomAD compares: East Asian, 0.013%; no homozygotes.

Submissions (2):

GeneDx
Classification: Uncertain significance. Last evaluated: 2025-09-04. Review status: criteria provided, single submitter. Criteria: GeneDx Variant Classification Process June 2021. Collection method: clinical testing. Allele origin: germline.
Comment: In silico analysis supports that this missense variant has a deleterious effect on protein structure/function; Has not been previously published as pathogenic or benign to our knowledge

Blueprint Genetics
Classification: Uncertain significance. Last evaluated: 2024-01-11. Review status: criteria provided, single submitter. Criteria: ACMG Guidelines, 2015. Collection method: clinical testing. Allele origin: germline.

NM_000601.6(HGF):c.502C>T (p.Arg168Trp)

Gene: HGF (hepatocyte growth factor; minus strand). Cytogenetic location: 7q21.11.
Variant type: single nucleotide variant.
Coding change: c.502C>T on transcript NM_000601.6 (MANE Select); coding-DNA position 502, C replaced by T.
Protein change: p.Arg168Trp; replaces arginine 168 with tryptophan.
Molecular consequence: missense variant.
Genome position (GRCh38, 1-based): chr7:81,752,243, G>A on the plus strand (C>T on the coding strand, the complement: HGF is on the minus strand). VCF-style: chr7-81752243-G-A. GRCh37 (hg19) VCF-style: chr7-81381559-G-A.
Other names: c.502C>T, p.Arg168Trp (NM_001010931.3, NM_001010934.3); c.487C>T, p.Arg163Trp (NM_001010932.3, NM_001010933.3); short protein forms R163W, R168W.
Identifiers: ClinVar variation 3767732 (VCV003767732.3).